The following is an entry in ClinVar:

NM_020312.4(COQ9):c.202dup (p.Ala68fs)

Gene: COQ9 (coenzyme Q9; plus strand). Cytogenetic location: 16q21.
Variant type: Duplication.
Coding change: c.202dup on transcript NM_020312.4 (MANE Select); coding-DNA position 202, one base duplicated (G; older notation c.202dupG).
Protein change: p.Ala68fs; shifts the reading frame from alanine 68.
Molecular consequence: frameshift variant.
Genome position (GRCh38, 1-based): chr16:57,451,168, G duplicated; the last of 5 consecutive G bases (chr16:57,451,164-57,451,168); duplicating any one gives the same sequence. VCF-style (leftmost placement, unchanged base first): chr16-57451163-A-AG. GRCh37 (hg19) VCF-style: chr16-57485075-A-AG.
Other names: c.202dupG (NM_020312.4); short protein forms A68fs.
Identifiers: ClinVar variation 1937704 (VCV001937704.6), dbSNP rs759658215, ClinGen allele CA8076109.

ClinVar aggregate classification (germline): Pathogenic (1 of 4 stars; one submission).

Conditions:
Encephalopathy-hypertrophic cardiomyopathy-renal tubular disease syndrome. Identifiers: Orphanet 319678, MedGen C3553374, MONDO:0013840, OMIM 614654.

Submission:

Labcorp Genetics (formerly Invitae), Labcorp
Classification: Pathogenic. Last evaluated: 2025-09-02. Review status: criteria provided, single submitter. Criteria: Invitae Variant Classification Sherloc (09022015). Collection method: clinical testing. Allele origin: germline.
Comment: This sequence change creates a premature translational stop signal (p.Ala68Glyfs*5) in the COQ9 gene. It is expected to result in an absent or disrupted protein product. Loss-of-function variants in COQ9 are known to be pathogenic (PMID: 19375058, 26081641). This variant is present in population databases (rs759658215, gnomAD 0.007%). This variant has not been reported in the literature in individuals affected with COQ9-related conditions. ClinVar contains an entry for this variant (Variation ID: 1937704). For these reasons, this variant has been classified as Pathogenic.

Literature cited by the submitters: PubMed 19375058 (cited by Labcorp Genetics (formerly Invitae), Labcorp); PubMed 26081641 (cited by Labcorp Genetics (formerly Invitae), Labcorp).